The following is an entry in ClinVar:

ClinVar aggregate classification (germline): Uncertain significance (1 of 4 stars; one submission).

Conditions:
2-aminoadipic 2-oxoadipic aciduria (AAKAD). Also called: Aminoadipic aciduria; ALPHA-AMINOADIPIC AND ALPHA-KETOADIPIC ACIDURIA. Identifiers: Orphanet 79154, MedGen C1859817, MONDO:0008774, OMIM 204750.

gnomAD v4.1: 4 of 1,613,322 alleles (0.00025%); highest among the groups gnomAD compares: South Asian, 0.0022%; no homozygotes.

Submission:

Labcorp Genetics (formerly Invitae), Labcorp
Classification: Uncertain significance for 2-aminoadipic 2-oxoadipic aciduria. Last evaluated: 2025-07-11. Review status: criteria provided, single submitter. Criteria: Invitae Variant Classification Sherloc (09022015). Collection method: clinical testing. Allele origin: germline.
Comment: This sequence change replaces cysteine, which is neutral and slightly polar, with tryptophan, which is neutral and slightly polar, at codon 327 of the DHTKD1 protein (p.Cys327Trp). This variant is present in population databases (no rsID available, gnomAD 0.002%). This variant has not been reported in the literature in individuals affected with DHTKD1-related conditions. ClinVar contains an entry for this variant (Variation ID: 2153989). Invitae Evidence Modeling of protein sequence and biophysical properties (such as structural, functional, and spatial information, amino acid conservation, physicochemical variation, residue mobility, and thermodynamic stability) indicates that this missense variant is expected to disrupt DHTKD1 protein function with a positive predictive value of 80%. In summary, the available evidence is currently insufficient to determine the role of this variant in disease. Therefore, it has been classified as a Variant of Uncertain Significance.

NM_018706.7(DHTKD1):c.981C>G (p.Cys327Trp)

Gene: DHTKD1 (dehydrogenase E1 and transketolase domain containing 1; plus strand). Cytogenetic location: 10p14.
Variant type: single nucleotide variant.
Coding change: c.981C>G on transcript NM_018706.7 (MANE Select); coding-DNA position 981, C replaced by G.
Protein change: p.Cys327Trp; replaces cysteine 327 with tryptophan.
Molecular consequence: missense variant.
Genome position (GRCh38, 1-based): chr10:12,089,249, C>G. VCF-style: chr10-12089249-C-G. GRCh37 (hg19) VCF-style: chr10-12131248-C-G.
Other names: short protein forms C327W.
Identifiers: ClinVar variation 2153989 (VCV002153989.4), dbSNP rs1350182096, ClinGen allele CA376018906.
Genomic context (GRCh38, chr10:12,089,249, plus strand): 5'-TCGCCAAGACGGCGATTACTCTCCAGACAACTCAGCCCAGCCGGGGGACAGGGTCATTTG[C>G]TTACAGGTACTTGGAGCTTCTGAAATTGAGGCCAGAGGTGGGGAAAACTGGGAAGAATGT-3'
Protein context (NP_061176.4, residues 317-337): NSAQPGDRVI[Cys327Trp]LQVHGDASFC